The following is an entry in ClinVar:

NM_000026.4(ADSL):c.1011-23_1011-20del

Gene: ADSL (adenylosuccinate lyase; plus strand). Cytogenetic location: 22q13.1.
Variant type: Deletion.
Coding change: c.1011-23_1011-20del on transcript NM_000026.4 (MANE Select); 23 bases into the intron before coding-DNA position 1011 through 20 bases into the intron before coding-DNA position 1011, 4 bases deleted (CTGA; older notation c.1011-23_1011-20delCTGA).
Molecular consequence: intron variant.
Genome position (GRCh38, 1-based): chr22:40,362,958-40,362,961, CTGA deleted; deleting any 4 consecutive bases within chr22:40,362,957-40,362,961 gives the same sequence; the c. name uses the placement nearest the transcript's 3' end. VCF-style (leftmost placement, unchanged base first): chr22-40362956-TACTG-T. GRCh37 (hg19) VCF-style: chr22-40758960-TACTG-T.
Other names: c.1011-23_1011-20del (NM_001363840.3, NM_001123378.3); c.819-23_819-20del (NM_001317923.2); c.1011-23_1011-20delCTGA (NM_000026.2).
Identifiers: ClinVar variation 421070 (VCV000421070.1), dbSNP rs767894204, ClinGen allele CA10247881.

ClinVar aggregate classification (germline): Likely benign (1 of 4 stars; one submission).

Submission:

GeneDx
Classification: Likely benign. Last evaluated: 2016-05-09. Review status: criteria provided, single submitter. Criteria: GeneDx Variant Classification (06012015). Collection method: clinical testing. Allele origin: germline. Affected: yes.
Comment: This variant is considered likely benign or benign based on one or more of the following criteria: it is a conservative change, it occurs at a poorly conserved position in the protein, it is predicted to be benign by multiple in silico algorithms, and/or has population frequency not consistent with disease.